The following is an entry in ClinVar:

NM_007107.5(SSR3):c.260+4_260+7del

Gene: SSR3 (signal sequence receptor subunit 3; minus strand). Cytogenetic location: 3q25.31.
Variant type: Microsatellite.
Coding change: c.260+4_260+7del on transcript NM_007107.5 (MANE Select); bases 4 to 7 of the intron after coding-DNA position 260, 4 bases deleted (AGTA; older notation c.260+4_260+7delAGTA).
Molecular consequence: splice donor variant.
Genome position (GRCh38, 1-based): chr3:156,553,648-156,553,651, TACT deleted on the plus strand (AGTA on the coding strand, the reverse complement: SSR3 is on the minus strand); deleting any 4 consecutive bases within chr3:156,553,648-156,553,656 gives the same sequence; the c. name uses the placement nearest the transcript's 3' end. VCF-style (leftmost placement, unchanged base first): chr3-156553647-ATACT-A. GRCh37 (hg19) VCF-style: chr3-156271436-ATACT-A.
Other names: c.260+4_260+7del (NM_001308197.2); c.104+4_104+7del (NM_001308204.2, NM_001308205.2).
Identifiers: ClinVar variation 2697773 (VCV002697773.3), dbSNP rs764734463, ClinGen allele CA2678626.

ClinVar aggregate classification (germline): Uncertain significance (1 of 4 stars; one submission).

Submission:

Labcorp Genetics (formerly Invitae), Labcorp
Classification: Uncertain significance. Last evaluated: 2023-11-29. Review status: criteria provided, single submitter. Criteria: Invitae Variant Classification Sherloc (09022015). Collection method: clinical testing. Allele origin: germline.
Comment: This sequence change falls in intron 2 of the SSR3 gene. It does not directly change the encoded amino acid sequence of the SSR3 protein. It affects a nucleotide within the consensus splice site. This variant is present in population databases (rs764734463, gnomAD 0.006%). This variant has not been reported in the literature in individuals affected with SSR3-related conditions. Variants that disrupt the consensus splice site are a relatively common cause of aberrant splicing (PMID: 17576681, 9536098). Algorithms developed to predict the effect of sequence changes on RNA splicing suggest that this variant may disrupt the consensus splice site. In summary, the available evidence is currently insufficient to determine the role of this variant in disease. Therefore, it has been classified as a Variant of Uncertain Significance.

Literature cited by the submitters: PubMed 17576681; PubMed 9536098.